The following is an entry in ClinVar:

NM_002470.4(MYH3):c.3763del (p.Asp1255fs)

Gene: MYH3 (myosin heavy chain 3; minus strand). Cytogenetic location: 17p13.1.
Variant type: Deletion.
Coding change: c.3763del on transcript NM_002470.4 (MANE Select); coding-DNA position 3763, one base deleted (G; older notation c.3763delG).
Protein change: p.Asp1255fs; shifts the reading frame from aspartic acid 1255.
Molecular consequence: frameshift variant.
Genome position (GRCh38, 1-based): chr17:10,637,902, C deleted on the plus strand (G on the coding strand, the reverse complement: MYH3 is on the minus strand); the first of 2 consecutive C bases (chr17:10,637,902-10,637,903); deleting either gives the same sequence. VCF-style (leftmost placement, unchanged base first): chr17-10637901-TC-T. GRCh37 (hg19) VCF-style: chr17-10541218-TC-T.
Other names: short protein forms D1255fs.
Identifiers: ClinVar variation 3631647 (VCV003631647.2).

ClinVar aggregate classification (germline): Pathogenic (1 of 4 stars; one submission).

Submission:

Labcorp Genetics (formerly Invitae), Labcorp
Classification: Pathogenic. Last evaluated: 2024-10-31. Review status: criteria provided, single submitter. Criteria: Invitae Variant Classification Sherloc (09022015). Collection method: clinical testing. Allele origin: germline.
Comment: This sequence change creates a premature translational stop signal (p.Asp1255Ilefs*3) in the MYH3 gene. It is expected to result in an absent or disrupted protein product. Loss-of-function variants in MYH3 are known to be pathogenic (PMID: 29805041, 30008475). This variant is not present in population databases (gnomAD no frequency). This variant has not been reported in the literature in individuals affected with MYH3-related conditions. For these reasons, this variant has been classified as Pathogenic.

Literature cited by the submitters: PubMed 29805041; PubMed 30008475.